The following is an entry in ClinVar:

ClinVar aggregate classification (germline): Uncertain significance (1 of 4 stars; one submission).

Submission:

GeneDx
Classification: Uncertain significance. Last evaluated: 2019-08-29. Review status: criteria provided, single submitter. Criteria: GeneDx Variant Classification Process June 2021. Collection method: clinical testing. Allele origin: germline. Affected: yes.
Comment: Not observed in large population cohorts (Lek et al., 2016); In silico analysis, which includes protein predictors and evolutionary conservation, supports a deleterious effect; Has not been previously published as pathogenic or benign to our knowledge

NM_001363711.2(DUOX2):c.3854C>G (p.Thr1285Ser)

Gene: DUOX2 (dual oxidase 2; minus strand). Cytogenetic location: 15q21.1.
Variant type: single nucleotide variant.
Coding change: c.3854C>G on transcript NM_001363711.2 (MANE Select); coding-DNA position 3854, C replaced by G.
Protein change: p.Thr1285Ser; replaces threonine 1285 with serine.
Molecular consequence: missense variant.
Genome position (GRCh38, 1-based): chr15:45,096,054, G>C on the plus strand (C>G on the coding strand, the complement: DUOX2 is on the minus strand). VCF-style: chr15-45096054-G-C. GRCh37 (hg19) VCF-style: chr15-45388252-G-C.
Other names: c.3854C>G, p.Thr1285Ser (NM_014080.5); short protein forms T1285S.
Identifiers: ClinVar variation 1311655 (VCV001311655.2), dbSNP rs1893893820, ClinGen allele CA392254350.
Genomic context (GRCh38, chr15:45,096,054, plus strand): 5'-ATCCGCACCCACTGTCCTGACTTGTACTCAAAGCCTTGGGGCCTCTGGAATTGCAGGTAG[G>C]TCACTCCTGGAGGTCATAGACAGGGAAAAGCACAGATGAGAAGGCCTGCTCCTGGTACCT-3'
Protein context (NP_001350640.1, residues 1275-1295): VKAELLPSGV[Thr1285Ser]YLQFQRPQGF